The following is an entry in ClinVar:

ClinVar aggregate classification (germline): Likely benign (1 of 4 stars; one submission).

Conditions:
Beta-D-mannosidosis (MANSB). Also called: MANNOSIDOSIS, BETA A, LYSOSOMAL; BETA-MANNOSIDASE DEFICIENCY; LYSOSOMAL BETA-MANNOSIDASE DEFICIENCY; Beta-Mannosidosis. Identifiers: Orphanet 118, MedGen C4048196, MONDO:0009562, OMIM 248510.

Allele frequency attached by ClinVar (database versions not stated): gnomAD exomes 0.00045; 1000 Genomes Project 30x 0.00219; 1000 Genomes Project 0.00220; gnomAD 0.00415 and 0.00383; TOPMed 0.00435.
gnomAD v4.1: 687 of 396,522 alleles (0.17%); highest among the groups gnomAD compares: African/African-American, 1.3%; 3 homozygotes.

Submission:

Illumina Laboratory Services, Illumina
Classification: Likely benign for Beta-D-mannosidosis. Last evaluated: 2018-01-12. Review status: criteria provided, single submitter. Criteria: ICSL Variant Classification Criteria 13 December 2019. Collection method: clinical testing. Allele origin: germline.
Comment: This variant was observed in the ICSL laboratory as part of a predisposition screen in an ostensibly healthy population. It had not been previously curated by ICSL or reported in the Human Gene Mutation Database (HGMD: prior to June 1st, 2018), and was therefore a candidate for classification through an automated scoring system. Utilizing variant allele frequency, disease prevalence and penetrance estimates, and inheritance mode, an automated score was calculated to assess if this variant is too frequent to cause the disease. Based on the score and internal cut-off values, a variant classified as likely benign is not then subjected to further curation. The score for this variant resulted in a classification of likely benign for this disease.

NM_005908.4(MANBA):c.*521G>A

Gene: MANBA (mannosidase beta; minus strand). Cytogenetic location: 4q24.
Variant type: single nucleotide variant.
Coding change: c.*521G>A on transcript NM_005908.4 (MANE Select); 521 bases downstream of the stop codon, G replaced by A.
Molecular consequence: 3 prime UTR variant.
Genome position (GRCh38, 1-based): chr4:102,631,536, C>T on the plus strand (G>A on the coding strand, the complement: MANBA is on the minus strand). VCF-style: chr4-102631536-C-T. GRCh37 (hg19) VCF-style: chr4-103552693-C-T.
Identifiers: ClinVar variation 901343 (VCV000901343.4), dbSNP rs138999320, ClinGen allele CA102708877.